The following is an entry in ClinVar:

NM_080632.3(UPF3B):c.1283G>C (p.Arg428Thr)

Gene: UPF3B (UPF3B regulator of nonsense mediated mRNA decay; minus strand). Cytogenetic location: Xq24.
Variant type: single nucleotide variant.
Coding change: c.1283G>C on transcript NM_080632.3 (MANE Select); coding-DNA position 1283, G replaced by C.
Protein change: p.Arg428Thr; replaces arginine 428 with threonine.
Molecular consequence: missense variant.
Genome position (GRCh38, 1-based): chrX:119,837,776, C>G on the plus strand (G>C on the coding strand, the complement: UPF3B is on the minus strand). VCF-style: chrX-119837776-C-G. GRCh37 (hg19) VCF-style: chrX-118971739-C-G.
Other names: c.1244G>C, p.Arg415Thr (NM_023010.4); short protein forms R415T, R428T.
Identifiers: ClinVar variation 3649364 (VCV003649364.2).

ClinVar aggregate classification (germline): Uncertain significance (1 of 4 stars; one submission).

Conditions:
Intellectual developmental disorder, X-linked, syndromic 14. Also called: Syndromic X-linked intellectual disability 14. Identifiers: Orphanet 776, MedGen C1970822, MONDO:0010398, OMIM 300676.

gnomAD v4.1: 1 of 1,210,345 alleles (0.000083%); highest among the groups gnomAD compares: Non-Finnish European, 0.00011%; no homozygotes.

Submission:

Labcorp Genetics (formerly Invitae), Labcorp
Classification: Uncertain significance for Intellectual developmental disorder, X-linked, syndromic 14. Last evaluated: 2024-04-09. Review status: criteria provided, single submitter. Criteria: Invitae Variant Classification Sherloc (09022015). Collection method: clinical testing. Allele origin: germline.
Comment: This sequence change replaces arginine, which is basic and polar, with threonine, which is neutral and polar, at codon 428 of the UPF3B protein (p.Arg428Thr). This variant is present in population databases (no rsID available, gnomAD 0.001%). This variant has not been reported in the literature in individuals affected with UPF3B-related conditions. Advanced modeling of protein sequence and biophysical properties (such as structural, functional, and spatial information, amino acid conservation, physicochemical variation, residue mobility, and thermodynamic stability) performed at Invitae indicates that this missense variant is not expected to disrupt UPF3B protein function with a negative predictive value of 80%. In summary, the available evidence is currently insufficient to determine the role of this variant in disease. Therefore, it has been classified as a Variant of Uncertain Significance.